The following is an entry in ClinVar:

ClinVar aggregate classification (germline): Pathogenic (1 of 4 stars; one submission).

Conditions:
Primary ciliary dyskinesia 3. Identifiers: Orphanet 244, MedGen C1837618, MONDO:0012085, OMIM 608644.

Submission:

Myriad Genetics, Inc.
Classification: Pathogenic for Primary ciliary dyskinesia 3. Last evaluated: 2024-05-14. Review status: criteria provided, single submitter. Criteria: Myriad Autosomal Dominant, Autosomal Recessive and X-Linked Classification Criteria (2023). Collection method: clinical testing. Allele origin: unknown.
Comment: NM_001369.2(DNAH5):c.4245_4246ins8(Y1416Rfs*11) is expected to be pathogenic in the context of primary ciliary dyskinesia, DNAH5-related. This variant is predicted to lead to an abnormal or absent protein product due to the creation of a premature termination codon in DNAH5, a gene where loss-of-function variants are known to be pathogenic. Please note: this variant was assessed in the context of healthy population screening.

NM_001369.3(DNAH5):c.4245_4246insAGAGACAG (p.Tyr1416fs)

Genes: DNAH5 (dynein axonemal heavy chain 5; minus strand), DNAH5-AS1 (DNAH5 antisense RNA 1; plus strand). Cytogenetic location: 5p15.2.
Variant type: Insertion.
Coding change: c.4245_4246insAGAGACAG on transcript NM_001369.3 (MANE Select); coding-DNA positions 4245 to 4246, AGAGACAG inserted.
Protein change: p.Tyr1416fs; shifts the reading frame from tyrosine 1416.
Molecular consequence: frameshift variant.
Genome position: GRCh38 VCF-style: chr5-13865777-A-ACTGTCTCT. GRCh37 (hg19) VCF-style: chr5-13865886-A-ACTGTCTCT.
Other names: short protein forms Y1416fs.
Identifiers: ClinVar variation 5011144 (VCV005011144.1).